The following is an entry in ClinVar:

ClinVar aggregate classification (germline): Uncertain significance (1 of 4 stars; one submission).

Submission:

Labcorp Genetics (formerly Invitae), Labcorp
Classification: Uncertain significance. Last evaluated: 2023-01-07. Review status: criteria provided, single submitter. Criteria: Invitae Variant Classification Sherloc (09022015). Collection method: clinical testing. Allele origin: germline.
Comment: In summary, the available evidence is currently insufficient to determine the role of this variant in disease. Therefore, it has been classified as a Variant of Uncertain Significance. Advanced modeling of protein sequence and biophysical properties (such as structural, functional, and spatial information, amino acid conservation, physicochemical variation, residue mobility, and thermodynamic stability) has been performed at Invitae for this missense variant, however the output from this modeling did not meet the statistical confidence thresholds required to predict the impact of this variant on KMT2A protein function. This variant has not been reported in the literature in individuals affected with KMT2A-related conditions. This variant is not present in population databases (gnomAD no frequency). This sequence change replaces glutamic acid, which is acidic and polar, with alanine, which is neutral and non-polar, at codon 1582 of the KMT2A protein (p.Glu1582Ala).

NM_001197104.2(KMT2A):c.4745A>C (p.Glu1582Ala)

Gene: KMT2A (lysine methyltransferase 2A; plus strand). Cytogenetic location: 11q23.3.
Variant type: single nucleotide variant.
Coding change: c.4745A>C on transcript NM_001197104.2 (MANE Select); coding-DNA position 4745, A replaced by C.
Protein change: p.Glu1582Ala; replaces glutamic acid 1582 with alanine.
Molecular consequence: missense variant.
Genome position (GRCh38, 1-based): chr11:118,491,244, A>C. VCF-style: chr11-118491244-A-C. GRCh37 (hg19) VCF-style: chr11-118361959-A-C.
Other names: c.4844A>C, p.Glu1615Ala (NM_001412597.1); c.4745A>C, p.Glu1582Ala (NM_005933.4); short protein forms E1615A, E1582A.
Identifiers: ClinVar variation 2826838 (VCV002826838.3), dbSNP rs2134338757, ClinGen allele CA382834357.
Genomic context (GRCh38, chr11:118,491,244, plus strand): 5'-CTTTGCTTTCAGGAAACTTCTGCCCTCTCTGTGACAAATGTTATGATGATGATGACTATG[A>C]GAGTAAGATGATGCAATGTGGAAAGTGTGATCGCTGGGTCCATTCCAAATGTGAGAATCT-3'
Protein context (NP_001184033.1, residues 1572-1592): CDKCYDDDDY[Glu1582Ala]SKMMQCGKCD